The following is an entry in ClinVar:

ClinVar aggregate classification (germline): Uncertain significance (1 of 4 stars; one submission).

Conditions:
Long QT syndrome (LQTS). Identifiers: MedGen C0023976, MeSH D008133, MONDO:0002442. Disease mechanism: loss of function. Inheritance: Various modes of inheritance.

Submission:

Labcorp Genetics (formerly Invitae), Labcorp
Classification: Uncertain significance for Long QT syndrome. Last evaluated: 2020-12-10. Review status: criteria provided, single submitter. Criteria: Invitae Variant Classification Sherloc (09022015). Collection method: clinical testing. Allele origin: germline.
Comment: In summary, the available evidence is currently insufficient to determine the role of this variant in disease. Therefore, it has been classified as a Variant of Uncertain Significance. Algorithms developed to predict the effect of missense changes on protein structure and function are either unavailable or do not agree on the potential impact of this missense change (SIFT: "Tolerated"; PolyPhen-2: "Probably Damaging"; Align-GVGD: "Class C0"). This variant has not been reported in the literature in individuals with ANK2-related conditions. This variant is not present in population databases (ExAC no frequency). This sequence change replaces alanine with threonine at codon 976 of the ANK2 protein (p.Ala976Thr). The alanine residue is highly conserved and there is a small physicochemical difference between alanine and threonine.

NM_001148.6(ANK2):c.2926G>A (p.Ala976Thr)

Gene: ANK2 (ankyrin 2; plus strand). Cytogenetic location: 4q26.
Variant type: single nucleotide variant.
Coding change: c.2926G>A on transcript NM_001148.6 (MANE Select); coding-DNA position 2926, G replaced by A.
Protein change: p.Ala976Thr; replaces alanine 976 with threonine.
Molecular consequence: missense variant.
Genome position (GRCh38, 1-based): chr4:113,330,271, G>A. VCF-style: chr4-113330271-G-A. GRCh37 (hg19) VCF-style: chr4-114251427-G-A.
Other names: c.2923G>A, p.Ala975Thr (NM_001354246.2, NM_001354265.2, NM_001354235.2 and 1 more transcripts); c.2839G>A, p.Ala947Thr (NM_001354249.2, NM_001354264.2, NM_001354266.2 and 7 more transcripts); c.2896G>A, p.Ala966Thr (NM_001354252.2, NM_001354239.2, NM_001354272.2); c.2740G>A, p.Ala914Thr (NM_001354260.2, NM_001354271.2, NM_001386151.1); c.2884G>A, p.Ala962Thr (NM_001354261.2, NM_001386147.1); c.2863G>A, p.Ala955Thr (NM_001354262.2, NM_001354255.2, NM_001354243.2 and 3 more transcripts); c.2860G>A, p.Ala954Thr (NM_001354256.2, NM_001354244.2, NM_001386161.1); c.2764G>A, p.Ala922Thr (NM_001354257.2, NM_001386156.1); and 23 more; short protein forms A1015T, A905T, A909T, A914T, A959T, A980T, A995T, A1002T.
Identifiers: ClinVar variation 1507200 (VCV001507200.8), dbSNP rs977347770, ClinGen allele CA357934953.